The following is an entry in ClinVar:

NM_000181.4(GUSB):c.1887T>G (p.Ile629Met)

Gene: GUSB (glucuronidase beta; minus strand). Cytogenetic location: 7q11.21.
Variant type: single nucleotide variant.
Coding change: c.1887T>G on transcript NM_000181.4 (MANE Select); coding-DNA position 1887, T replaced by G.
Protein change: p.Ile629Met; replaces isoleucine 629 with methionine.
Molecular consequence: missense variant. On other transcripts: non-coding transcript variant (1).
Genome position (GRCh38, 1-based): chr7:65,960,966, A>C on the plus strand (T>G on the coding strand, the complement: GUSB is on the minus strand). VCF-style: chr7-65960966-A-C. GRCh37 (hg19) VCF-style: chr7-65425953-A-C.
Other names: c.1449T>G, p.Ile483Met (NM_001284290.2); c.1317T>G, p.Ile439Met (NM_001293104.2); c.1230T>G, p.Ile410Met (NM_001293105.2); short protein forms I410M, I439M, I483M, I629M.
Identifiers: ClinVar variation 1051643 (VCV001051643.6), dbSNP rs756035101, ClinGen allele CA4276149.

ClinVar aggregate classification (germline): Uncertain significance (1 of 4 stars; one submission).

Conditions:
Mucopolysaccharidosis type 7 (MPS7). Also called: MPS VII; SLY SYNDROME; GUSB DEFICIENCY; BETA-GLUCURONIDASE DEFICIENCY. Identifiers: Orphanet 584, MedGen C0085132, MONDO:0009662, OMIM 253220.

Allele frequency attached by ClinVar (database versions not stated): gnomAD 0.00001; gnomAD exomes 0.00001 and 0.00002; ExAC 0.00002; TOPMed 0.00002.
gnomAD v4.1: 12 of 1,613,650 alleles (0.00074%); highest among the groups gnomAD compares: Non-Finnish European, 0.00093%; no homozygotes.

Submission:

Labcorp Genetics (formerly Invitae), Labcorp
Classification: Uncertain significance for Mucopolysaccharidosis type 7. Last evaluated: 2022-02-03. Review status: criteria provided, single submitter. Criteria: Invitae Variant Classification Sherloc (09022015). Collection method: clinical testing. Allele origin: germline.
Comment: This sequence change replaces isoleucine, which is neutral and non-polar, with methionine, which is neutral and non-polar, at codon 629 of the GUSB protein (p.Ile629Met). This variant is present in population databases (rs756035101, gnomAD 0.005%). This variant has not been reported in the literature in individuals affected with GUSB-related conditions. ClinVar contains an entry for this variant (Variation ID: 1051643). Algorithms developed to predict the effect of missense changes on protein structure and function are either unavailable or do not agree on the potential impact of this missense change (SIFT: "Tolerated"; PolyPhen-2: "Probably Damaging"; Align-GVGD: "Class C0"). In summary, the available evidence is currently insufficient to determine the role of this variant in disease. Therefore, it has been classified as a Variant of Uncertain Significance.